The following is an entry in ClinVar:

ClinVar aggregate classification (germline): Uncertain significance (1 of 4 stars; one submission).

Conditions:
LAMA2-related muscular dystrophy (LAMA2-RD). Also called: Laminin alpha 2-related dystrophy. Identifiers: MedGen C5679788, MONDO:0100228.

gnomAD v4.1: 5 of 1,614,170 alleles (0.00031%); highest among the groups gnomAD compares: South Asian, 0.0055%; no homozygotes.

Submission:

Labcorp Genetics (formerly Invitae), Labcorp
Classification: Uncertain significance for LAMA2-related muscular dystrophy. Last evaluated: 2021-09-08. Review status: criteria provided, single submitter. Criteria: Invitae Variant Classification Sherloc (09022015). Collection method: clinical testing. Allele origin: germline.
Comment: This sequence change replaces arginine with glycine at codon 575 of the LAMA2 protein (p.Arg575Gly). The arginine residue is weakly conserved and there is a moderate physicochemical difference between arginine and glycine. This variant is not present in population databases (ExAC no frequency). This variant has not been reported in the literature in individuals affected with LAMA2-related conditions. Advanced modeling of protein sequence and biophysical properties (such as structural, functional, and spatial information, amino acid conservation, physicochemical variation, residue mobility, and thermodynamic stability) performed at Invitae indicates that this missense variant is not expected to disrupt LAMA2 protein function. In summary, the available evidence is currently insufficient to determine the role of this variant in disease. Therefore, it has been classified as a Variant of Uncertain Significance.

NM_000426.4(LAMA2):c.1723C>G (p.Arg575Gly)

Gene: LAMA2 (laminin subunit alpha 2; plus strand). Cytogenetic location: 6q22.33.
Variant type: single nucleotide variant.
Coding change: c.1723C>G on transcript NM_000426.4 (MANE Select); coding-DNA position 1723, C replaced by G.
Protein change: p.Arg575Gly; replaces arginine 575 with glycine.
Molecular consequence: missense variant.
Genome position (GRCh38, 1-based): chr6:129,192,794, C>G. VCF-style: chr6-129192794-C-G. GRCh37 (hg19) VCF-style: chr6-129513939-C-G.
Other names: c.1723C>G, p.Arg575Gly (NM_001079823.2); short protein forms R575G.
Identifiers: ClinVar variation 1468223 (VCV001468223.3), dbSNP rs1326508623, ClinGen allele CA365608325.
Genomic context (GRCh38, chr6:129,192,794, plus strand): 5'-GCTCCCCAGCAGGACGACTTGGACTCACCTCAGCAGATCAGCATCAGTAACGCGGAGGCC[C>G]GGCAAGCCCTGCCGCACAGCTACTACTGGAGCGCGCCGGCTCCCTATCTGGGAAACAAAG-3'
Protein context (NP_000417.3, residues 565-585): QQISISNAEA[Arg575Gly]QALPHSYYWS